The following is an entry in ClinVar:

ClinVar aggregate classification (germline): Benign. Review status: criteria provided, multiple submitters, no conflicts (2 of 4 stars). 3 submissions from 3 submitters: Benign (2). 1 of the submissions does not count toward it. Last evaluated 2018-09-19.

Conditions:
SCAPER-related disorder. Also called: SCAPER-related condition.

Allele frequency attached by ClinVar (database versions not stated): gnomAD exomes 0.00076 and 0.00188; ExAC 0.00531; gnomAD 0.00822 and 0.00887; 1000 Genomes Project 0.00919; ESP Exome Variant Server 0.00928; 1000 Genomes Project 30x 0.00937; TOPMed 0.00960.
gnomAD v4.1: 2,379 of 1,581,198 alleles (0.15%); highest among the groups gnomAD compares: African/African-American, 2.9%; 32 homozygotes.

Submissions (3):

Labcorp Genetics (formerly Invitae), Labcorp
Classification: Benign. Last evaluated: 2018-09-19. Review status: criteria provided, single submitter. Criteria: Invitae Variant Classification Sherloc (09022015). Collection method: clinical testing. Allele origin: germline.

Breakthrough Genomics
Classification: Benign. Review status: criteria provided, single submitter. Criteria: ACMG Guidelines, 2015. Collection method: not provided. Allele origin: germline. Inheritance: Autosomal recessive inheritance. Affected: yes.

PreventionGenetics, part of Exact Sciences
Classification: Benign for SCAPER-related condition. Last evaluated: 2024-03-06. Review status: no assertion criteria provided. Collection method: clinical testing. Allele origin: germline. Not counted in ClinVar's aggregate classification.
Comment: This variant is classified as benign based on ACMG/AMP sequence variant interpretation guidelines (Richards et al. 2015 PMID: 25741868, with internal and published modifications).

NM_020843.4(SCAPER):c.2004A>T (p.Ala668=)

Gene: SCAPER (S-phase cyclin A associated protein in the ER; minus strand). Cytogenetic location: 15q24.3.
Variant type: single nucleotide variant.
Coding change: c.2004A>T on transcript NM_020843.4 (MANE Select); coding-DNA position 2004, A replaced by T.
Protein change: p.Ala668=; no amino-acid change (alanine 668 retained).
Molecular consequence: synonymous variant. On other transcripts: non-coding transcript variant (1).
Genome position (GRCh38, 1-based): chr15:76,733,247, T>A on the plus strand (A>T on the coding strand, the complement: SCAPER is on the minus strand). VCF-style: chr15-76733247-T-A. GRCh37 (hg19) VCF-style: chr15-77025588-T-A.
Other names: c.1266A>T, p.Ala422= (NM_001145923.2); c.2022A>T, p.Ala674= (NM_001353009.2); c.1602A>T, p.Ala534= (NM_001353010.2, NM_001353012.2); c.1620A>T, p.Ala540= (NM_001353011.2); c.2022A>T (NM_001353009.1).
Identifiers: ClinVar variation 790150 (VCV000790150.6), dbSNP rs76412233, ClinGen allele CA7674819.